The following is an entry in ClinVar:

NM_000092.5(COL4A4):c.1762C>T (p.Arg588Trp)

Gene: COL4A4 (collagen type IV alpha 4 chain; minus strand). Cytogenetic location: 2q36.3.
Variant type: single nucleotide variant.
Coding change: c.1762C>T on transcript NM_000092.5 (MANE Select); coding-DNA position 1762, C replaced by T.
Protein change: p.Arg588Trp; replaces arginine 588 with tryptophan.
Molecular consequence: missense variant.
Genome position (GRCh38, 1-based): chr2:227,080,484, G>A on the plus strand (C>T on the coding strand, the complement: COL4A4 is on the minus strand). VCF-style: chr2-227080484-G-A. GRCh37 (hg19) VCF-style: chr2-227945200-G-A.
Other names: short protein forms R588W.
Identifiers: ClinVar variation 2080741 (VCV002080741.6), dbSNP rs778889239, ClinGen allele CA2145069.

ClinVar aggregate classification (germline): Conflicting classifications of pathogenicity. Review status: criteria provided, conflicting classifications (1 of 4 stars). 3 submissions from 3 submitters: Uncertain significance (2); Likely benign (1). Last evaluated 2025-08-13.

Conditions:
Autosomal recessive Alport syndrome (ATS2). Also called: Alport syndrome type 2; COL4A4 Alport Syndrome and Thin Basement Membrane Nephropathy; ALPORT SYNDROME 2, AUTOSOMAL RECESSIVE; COL4A3-Related Nephropathy. Identifiers: Orphanet 63, Orphanet 88919, MedGen C4746745, MONDO:0008762, OMIM 203780.
Hematuria, benign familial, 1 (BFH1). Also called: THIN MEMBRANE NEPHROPATHY. Identifiers: MedGen CN376803, MONDO:0007709, OMIM 141200.
COL4A4-related disorder.

Allele frequency attached by ClinVar (database versions not stated): TOPMed 0.00002; ExAC 0.00003; gnomAD 0.00004; gnomAD exomes 0.00004.
gnomAD v4.1: 62 of 1,613,900 alleles (0.0038%); highest among the groups gnomAD compares: African/African-American, 0.0053%; no homozygotes.

Submissions (3):

PreventionGenetics, part of Exact Sciences
Classification: Uncertain significance for COL4A4-related condition. Last evaluated: 2025-08-13. Review status: criteria provided, single submitter. Criteria: ACMG Guidelines, 2015. Collection method: clinical testing. Allele origin: germline.
Comment: The COL4A4 c.1762C>T variant is predicted to result in the amino acid substitution p.Arg588Trp. To our knowledge, this variant has not been reported in the literature. This variant is reported in 0.0097% of alleles in individuals of Ashkenazi Jewish descent in gnomAD. At this time, the clinical significance of this variant is uncertain due to the absence of conclusive functional and genetic evidence.

Labcorp Genetics (formerly Invitae), Labcorp
Classification: Likely benign. Last evaluated: 2024-09-03. Review status: criteria provided, single submitter. Criteria: Invitae Variant Classification Sherloc (09022015). Collection method: clinical testing. Allele origin: germline.

Fulgent Genetics
Classification: Uncertain significance for Hematuria, benign familial, 1; Autosomal recessive Alport syndrome. Last evaluated: 2024-01-23. Review status: criteria provided, single submitter. Criteria: ACMG Guidelines, 2015. Collection method: clinical testing. Allele origin: germline.